The following is an entry in ClinVar:

ClinVar aggregate classification (germline): Benign/Likely benign. Review status: criteria provided, multiple submitters, no conflicts (2 of 4 stars). 2 submissions from 2 submitters: Benign (1); Likely benign (1). Last evaluated 2026-09-01.

Conditions:
Spastic paraplegia. Identifiers: MedGen C0037772, HP:0001258.

Allele frequency attached by ClinVar (database versions not stated): gnomAD 0.00005; ExAC 0.00006; ESP Exome Variant Server 0.00019; 1000 Genomes Project 30x 0.00021; 1000 Genomes Project 0.00026; gnomAD exomes 0.00002; TOPMed 0.00003.
gnomAD v4.1: 32 of 1,209,237 alleles (0.0026%); highest among the groups gnomAD compares: Middle Eastern, 0.023%; no homozygotes.

Submissions (2):

CeGaT Center for Human Genetics Tuebingen
Classification: Likely benign. Last evaluated: 2026-09-01. Review status: criteria provided, single submitter. Criteria: CeGaT Center For Human Genetics Tuebingen Variant Classification Criteria Version 2. Collection method: clinical testing. Allele origin: germline. Affected: yes. Observed: 1 variant allele.
Comment: L1CAM: BP4, BP7, BS2

Labcorp Genetics (formerly Invitae), Labcorp
Classification: Benign for Spastic paraplegia. Last evaluated: 2024-07-31. Review status: criteria provided, single submitter. Criteria: Invitae Variant Classification Sherloc (09022015). Collection method: clinical testing. Allele origin: germline.

NM_001278116.2(L1CAM):c.2709G>A (p.Ser903=)

Gene: L1CAM (L1 cell adhesion molecule; minus strand). Cytogenetic location: Xq28.
Variant type: single nucleotide variant.
Coding change: c.2709G>A on transcript NM_001278116.2 (MANE Select); coding-DNA position 2709, G replaced by A.
Protein change: p.Ser903=; no amino-acid change (serine 903 retained).
Molecular consequence: synonymous variant.
Genome position (GRCh38, 1-based): chrX:153,865,339, C>T on the plus strand (G>A on the coding strand, the complement: L1CAM is on the minus strand). VCF-style: chrX-153865339-C-T. GRCh37 (hg19) VCF-style: chrX-153130794-C-T.
Other names: c.2709G>A, p.Ser903= (NM_000425.5, NM_024003.3); c.2694G>A, p.Ser898= (NM_001143963.2).
Identifiers: ClinVar variation 3009668 (VCV003009668.4), dbSNP rs146224667, ClinGen allele CA10554121.